The following is an entry in ClinVar:

NM_001069.3(TUBB2A):c.883G>A (p.Asp295Asn)

Gene: TUBB2A (tubulin beta 2A class IIa; minus strand). Cytogenetic location: 6p25.2.
Variant type: single nucleotide variant.
Coding change: c.883G>A on transcript NM_001069.3 (MANE Select); coding-DNA position 883, G replaced by A.
Protein change: p.Asp295Asn; replaces aspartic acid 295 with asparagine.
Molecular consequence: missense variant.
Genome position (GRCh38, 1-based): chr6:3,154,318, C>T on the plus strand (G>A on the coding strand, the complement: TUBB2A is on the minus strand). VCF-style: chr6-3154318-C-T. GRCh37 (hg19) VCF-style: chr6-3154552-C-T.
Other names: c.628G>A, p.Asp210Asn (NM_001310315.2); short protein forms D210N, D295N.
Identifiers: ClinVar variation 2091380 (VCV002091380.4), dbSNP rs2533524198, ClinGen allele CA362591749.
Genomic context (GRCh38, chr6:3,154,318, plus strand): 5'-CAGCCACCGTCAGGTAGCGGCCGTGGCGCGGGTCGCAGGCGGCCATCATGTTCTTGGAGT[C>T]GAACATCTGCTGGGTGAGCTCGGGCACCGTGAGCGCCCGGTACTGCTGGCTGCCCCGGCT-3'
Protein context (NP_001060.1, residues 285-305): TVPELTQQMF[Asp295Asn]SKNMMAACDP

ClinVar aggregate classification (germline): Uncertain significance (1 of 4 stars; one submission).

Submission:

Labcorp Genetics (formerly Invitae), Labcorp
Classification: Uncertain significance. Last evaluated: 2024-10-16. Review status: criteria provided, single submitter. Criteria: Invitae Variant Classification Sherloc (09022015). Collection method: clinical testing. Allele origin: germline.
Comment: This sequence change replaces aspartic acid, which is acidic and polar, with asparagine, which is neutral and polar, at codon 295 of the TUBB2A protein (p.Asp295Asn). This variant is not present in population databases (gnomAD no frequency). This variant has not been reported in the literature in individuals affected with TUBB2A-related conditions. ClinVar contains an entry for this variant (Variation ID: 2091380). Invitae Evidence Modeling of protein sequence and biophysical properties (such as structural, functional, and spatial information, amino acid conservation, physicochemical variation, residue mobility, and thermodynamic stability) indicates that this missense variant is not expected to disrupt TUBB2A protein function with a negative predictive value of 80%. In summary, the available evidence is currently insufficient to determine the role of this variant in disease. Therefore, it has been classified as a Variant of Uncertain Significance.